The following is an entry in ClinVar:

ClinVar aggregate classification (germline): Conflicting classifications of pathogenicity. Review status: criteria provided, conflicting classifications (1 of 4 stars). 2 submissions from 2 submitters: Uncertain significance (1); Likely benign (1). Last evaluated 2023-03-23.

Conditions:
Hereditary cancer-predisposing syndrome. Also called: Neoplastic Syndromes, Hereditary; Tumor predisposition; Hereditary Cancer Syndrome; Hereditary neoplastic syndrome. Identifiers: Orphanet 140162, MedGen C0027672, MeSH D009386, MONDO:0015356.

Submissions (2):

University of Washington Department of Laboratory Medicine, University of Washington
Classification: Likely benign for Hereditary cancer-predisposing syndrome. Last evaluated: 2023-03-23. Review status: criteria provided, single submitter. Criteria: Dines et al. (Genet Med. 2020). Collection method: curation. Allele origin: germline.
Comment: Missense variant in a coldspot region where missense variants are very unlikely to be pathogenic (PMID:31911673).

BRCA2 exon 11 coldspot. Reclassification based on statistical prior probability.

Ambry Genetics
Classification: Uncertain significance for Hereditary cancer-predisposing syndrome. Last evaluated: 2020-09-11. Review status: criteria provided, single submitter. Criteria: Ambry Variant Classification Scheme 2023. Collection method: clinical testing. Allele origin: germline.
Comment: The p.N2266S variant (also known as c.6797A>G), located in coding exon 10 of the BRCA2 gene, results from an A to G substitution at nucleotide position 6797. The asparagine at codon 2266 is replaced by serine, an amino acid with highly similar properties. This amino acid position is well conserved in available vertebrate species. In addition, this alteration is predicted to be tolerated by in silico analysis. Since supporting evidence is limited at this time, the clinical significance of this alteration remains unclear.

NM_000059.4(BRCA2):c.6797A>G (p.Asn2266Ser)

Gene: BRCA2 (BRCA2 DNA repair associated; plus strand). Cytogenetic location: 13q13.1.
Variant type: single nucleotide variant.
Coding change: c.6797A>G on transcript NM_000059.4 (MANE Select); coding-DNA position 6797, A replaced by G.
Protein change: p.Asn2266Ser; replaces asparagine 2266 with serine.
Molecular consequence: missense variant.
Genome position (GRCh38, 1-based): chr13:32,341,152, A>G. VCF-style: chr13-32341152-A-G. GRCh37 (hg19) VCF-style: chr13-32915289-A-G.
Other names: c.6797A>G, p.Asn2266Ser (NM_001406719.1, NM_001406720.1); short protein forms N2266S.
Identifiers: ClinVar variation 1755475 (VCV001755475.4), dbSNP rs2072565540, ClinGen allele CA387791337.
Genomic context (GRCh38, chr13:32,341,152, plus strand): 5'-CAAGTCATGCCACACATTCTCTTTTTACATGTCCCGAAAATGAGGAAATGGTTTTGTCAA[A>G]TTCAAGAATTGGAAAAAGAAGAGGAGAGCCCCTTATCTTAGTGGGTAAGTGTTCATTTTT-3'
Protein context (NP_000050.3, residues 2256-2276): CPENEEMVLS[Asn2266Ser]SRIGKRRGEP